The following is an entry in ClinVar:

NM_000395.3(CSF2RB):c.198T>A (p.Asn66Lys)

Gene: CSF2RB (colony stimulating factor 2 receptor subunit beta; plus strand). Cytogenetic location: 22q12.3.
Variant type: single nucleotide variant.
Coding change: c.198T>A on transcript NM_000395.3 (MANE Select); coding-DNA position 198, T replaced by A.
Protein change: p.Asn66Lys; replaces asparagine 66 with lysine.
Molecular consequence: missense variant.
Genome position (GRCh38, 1-based): chr22:36,923,365, T>A. VCF-style: chr22-36923365-T-A. GRCh37 (hg19) VCF-style: chr22-37319407-T-A.
Other names: c.198T>A, p.Asn66Lys (NM_001410827.1); short protein forms N66K.
Identifiers: ClinVar variation 3497551 (VCV003497551.2).

ClinVar aggregate classification (germline): Uncertain significance. Review status: criteria provided, multiple submitters, no conflicts (2 of 4 stars). 2 submissions from 2 submitters: Uncertain significance (2). Last evaluated 2025-08-07.

Conditions:
Inborn genetic diseases. Identifiers: MedGen C0950123, MeSH D030342.

gnomAD v4.1: 17 of 1,613,568 alleles (0.0011%); highest among the groups gnomAD compares: Non-Finnish European, 0.0014%; no homozygotes.

Submissions (2):

Labcorp Genetics (formerly Invitae), Labcorp
Classification: Uncertain significance. Last evaluated: 2025-08-07. Review status: criteria provided, single submitter. Criteria: Invitae Variant Classification Sherloc (09022015). Collection method: clinical testing. Allele origin: germline.
Comment: This sequence change replaces asparagine, which is neutral and polar, with lysine, which is basic and polar, at codon 66 of the CSF2RB protein (p.Asn66Lys). This variant is present in population databases (rs377561426, gnomAD 0.002%). This variant has not been reported in the literature in individuals affected with CSF2RB-related conditions. ClinVar contains an entry for this variant (Variation ID: 3497551). An algorithm developed to predict the effect of missense changes on protein structure and function outputs the following: PolyPhen-2: "Benign". The lysine amino acid residue is found in multiple mammalian species, which suggests that this missense change does not adversely affect protein function. In summary, the available evidence is currently insufficient to determine the role of this variant in disease. Therefore, it has been classified as a Variant of Uncertain Significance.

Ambry Genetics
Classification: Uncertain significance for Inborn genetic diseases. Last evaluated: 2024-11-09. Review status: criteria provided, single submitter. Criteria: Ambry Variant Classification Scheme 2023. Collection method: clinical testing. Allele origin: germline.